The following is an entry in ClinVar:

NM_000059.4(BRCA2):c.3908G>A (p.Gly1303Asp)

Gene: BRCA2 (BRCA2 DNA repair associated; plus strand). Cytogenetic location: 13q13.1.
Variant type: single nucleotide variant.
Coding change: c.3908G>A on transcript NM_000059.4 (MANE Select); coding-DNA position 3908, G replaced by A.
Protein change: p.Gly1303Asp; replaces glycine 1303 with aspartic acid.
Molecular consequence: missense variant.
Genome position (GRCh38, 1-based): chr13:32,338,263, G>A. VCF-style: chr13-32338263-G-A. GRCh37 (hg19) VCF-style: chr13-32912400-G-A.
Other names: short protein forms G1303D.
Identifiers: ClinVar variation 142687 (VCV000142687.26), dbSNP rs587782645, ClinGen allele CA019126.

ClinVar aggregate classification (germline): Conflicting classifications of pathogenicity. Review status: criteria provided, conflicting classifications (1 of 4 stars). 6 submissions from 6 submitters: Uncertain significance (4); Likely benign (2). Last evaluated 2025-12-16.

Conditions:
BRCA2-related cancer predisposition. Identifiers: MedGen CN377758, MONDO:0700269.
Hereditary cancer-predisposing syndrome. Also called: Neoplastic Syndromes, Hereditary; Hereditary Cancer Syndrome; Hereditary neoplastic syndrome; Tumor predisposition. Identifiers: Orphanet 140162, MedGen C0027672, MeSH D009386, MONDO:0015356.
Hereditary breast ovarian cancer syndrome. Also called: Hereditary breast and ovarian cancer syndrome; Hereditary breast and/or ovarian cancer syndrome; BRCA1- and BRCA2-Associated Hereditary Breast and Ovarian Cancer; Hereditary breast and ovarian cancer; Breast and ovarian cancer; Hereditary breast and ovarian cancer syndrome (HBOC). Identifiers: Orphanet 145, MedGen C0677776, MeSH D061325, MONDO:0003582. Disease mechanism: loss of function.
Breast-ovarian cancer, familial, susceptibility to, 2 (BROVCA2). Also called: BRCA2 Hereditary Breast and Ovarian Cancer. Identifiers: Orphanet 145, MedGen C2675520, MONDO:0012933, OMIM 612555. Disease mechanism: loss of function.

Allele frequency attached by ClinVar (database versions not stated): TOPMed below 0.00001.

Submissions (6):

Labcorp Genetics (formerly Invitae), Labcorp
Classification: Uncertain significance for Hereditary breast ovarian cancer syndrome. Last evaluated: 2025-12-16. Review status: criteria provided, single submitter. Criteria: Invitae Variant Classification Sherloc (09022015). Collection method: clinical testing. Allele origin: germline.
Comment: This sequence change replaces glycine, which is neutral and non-polar, with aspartic acid, which is acidic and polar, at codon 1303 of the BRCA2 protein (p.Gly1303Asp). This variant is not present in population databases (gnomAD no frequency). This missense change has been observed in individual(s) with breast cancer (PMID: 35264596, 35534704). ClinVar contains an entry for this variant (Variation ID: 142687). Invitae Evidence Modeling of protein sequence and biophysical properties (such as structural, functional, and spatial information, amino acid conservation, physicochemical variation, residue mobility, and thermodynamic stability) indicates that this missense variant is not expected to disrupt BRCA2 protein function with a negative predictive value of 95%. In summary, the available evidence is currently insufficient to determine the role of this variant in disease. Therefore, it has been classified as a Variant of Uncertain Significance.

Ambry Genetics
Classification: Likely benign for Hereditary cancer-predisposing syndrome. Last evaluated: 2025-01-30. Review status: criteria provided, single submitter. Criteria: Ambry Variant Classification Scheme 2023. Collection method: clinical testing. Allele origin: germline.

All of Us Research Program, National Institutes of Health
Classification: Uncertain significance for BRCA2-related cancer predisposition. Last evaluated: 2024-06-11. Review status: criteria provided, single submitter. Criteria: ACMG Guidelines, 2015. Collection method: clinical testing. Allele origin: germline. Inheritance: Autosomal dominant inheritance. Observed: 1 variant allele, 1 heterozygote.
Comment: This missense variant replaces glycine with aspartic acid at codon 1303 of the BRCA2 protein. Computational prediction suggests that this variant may not impact protein structure and function (internally defined REVEL score threshold <= 0.5, PMID: 27666373). Splice site prediction tools suggest that this variant may not impact RNA splicing. To our knowledge, functional studies have not been reported for this variant. This variant has not been reported in individuals affected with hereditary cancer in the literature. This variant has not been identified in the general population by the Genome Aggregation Database (gnomAD). The available evidence is insufficient to determine the role of this variant in disease conclusively. Therefore, this variant is classified as a Variant of Uncertain Significance.

This study involves interpretation of variants in research participants for the purpose of population health screening. Participant phenotype was not available at the time of variant classification. Additional details can be found in publication PMID: 35346344, PMCID: PMC8962531

Color Diagnostics, LLC DBA Color Health
Classification: Uncertain significance for Hereditary cancer-predisposing syndrome. Last evaluated: 2023-05-30. Review status: criteria provided, single submitter. Criteria: ACMG Guidelines, 2015. Collection method: clinical testing. Allele origin: germline.
Comment: This missense variant replaces glycine with aspartic acid at codon 1303 of the BRCA2 protein. Computational prediction suggests that this variant may not impact protein structure and function (internally defined REVEL score threshold <= 0.5, PMID: 27666373). To our knowledge, functional studies have not been reported for this variant. This variant has not been reported in individuals affected with BRCA2-related disorders in the literature. This variant has not been identified in the general population by the Genome Aggregation Database (gnomAD). The available evidence is insufficient to determine the role of this variant in disease conclusively. Therefore, this variant is classified as a Variant of Uncertain Significance.

University of Washington Department of Laboratory Medicine, University of Washington
Classification: Likely benign for Hereditary cancer-predisposing syndrome. Last evaluated: 2023-03-23. Review status: criteria provided, single submitter. Criteria: Dines et al. (Genet Med. 2020). Collection method: curation. Allele origin: germline.
Comment: Missense variant in a coldspot region where missense variants are very unlikely to be pathogenic (PMID:31911673).

BRCA2 exon 11 coldspot. Reclassification based on statistical prior probability.

Mendelics
Classification: Uncertain significance for Breast-ovarian cancer, familial, susceptibility to, 2. Last evaluated: 2019-05-28. Review status: criteria provided, single submitter. Criteria: Mendelics Assertion Criteria 2017. Collection method: clinical testing. Allele origin: unknown.

Literature cited by the submitters: PubMed 35264596 (cited by Labcorp Genetics (formerly Invitae), Labcorp); PubMed 35534704 (cited by Labcorp Genetics (formerly Invitae), Labcorp).